The following is an entry in ClinVar:

ClinVar aggregate classification (germline): Uncertain significance (1 of 4 stars; one submission).

Allele frequency attached by ClinVar (database versions not stated): gnomAD exomes below 0.00001.

Submission:

Labcorp Genetics (formerly Invitae), Labcorp
Classification: Uncertain significance. Last evaluated: 2021-03-11. Review status: criteria provided, single submitter. Criteria: Invitae Variant Classification Sherloc (09022015). Collection method: clinical testing. Allele origin: germline.
Comment: This variant is not present in population databases (ExAC no frequency). This sequence change replaces valine with methionine at codon 724 of the ALPK3 protein (p.Val724Met). The valine residue is weakly conserved and there is a small physicochemical difference between valine and methionine. This variant has not been reported in the literature in individuals with ALPK3-related conditions. In summary, the available evidence is currently insufficient to determine the role of this variant in disease. Therefore, it has been classified as a Variant of Uncertain Significance. Algorithms developed to predict the effect of missense changes on protein structure and function are either unavailable or do not agree on the potential impact of this missense change (SIFT: "Tolerated"; PolyPhen-2: "Possibly Damaging"; Align-GVGD: "Class C0").

NM_020778.5(ALPK3):c.1564G>A (p.Val522Met)

Genes: ALPK3 (alpha kinase 3; plus strand), LOC111718493 (skeletal muscle cis-regulatory module overlapping ALPK3; plus strand). Cytogenetic location: 15q25.3.
Variant type: single nucleotide variant.
Coding change: c.1564G>A on transcript NM_020778.5 (MANE Select); coding-DNA position 1564, G replaced by A.
Protein change: p.Val522Met; replaces valine 522 with methionine.
Molecular consequence: missense variant.
Genome position (GRCh38, 1-based): chr15:84,840,843, G>A. VCF-style: chr15-84840843-G-A. GRCh37 (hg19) VCF-style: chr15-85384074-G-A.
Other names: short protein forms V522M.
Identifiers: ClinVar variation 1349658 (VCV001349658.8), dbSNP rs2141557411, ClinGen allele CA393375956.